The following is an entry in ClinVar:

ClinVar aggregate classification (germline): Uncertain significance. Review status: criteria provided, single submitter (1 of 4 stars). 2 submissions from 2 submitters: Uncertain significance (1). 1 of the submissions does not count toward it. Last evaluated 2024-08-20.

Conditions:
Inborn genetic diseases. Identifiers: MedGen C0950123, MeSH D030342.

Allele frequency attached by ClinVar (database versions not stated): ExAC 0.00003; gnomAD 0.00003 and 0.00004; gnomAD exomes 0.00005; TOPMed 0.00006.
gnomAD v4.1: 76 of 1,613,724 alleles (0.0047%); highest among the groups gnomAD compares: Admixed American, 0.013%; no homozygotes.

Submissions (2):

Ambry Genetics
Classification: Uncertain significance for Inborn genetic diseases. Last evaluated: 2024-08-20. Review status: criteria provided, single submitter. Criteria: Ambry Variant Classification Scheme 2023. Collection method: clinical testing. Allele origin: germline.

Department of Pathology and Laboratory Medicine, Sinai Health System
Classification: Uncertain significance. Review status: no assertion criteria provided. Collection method: clinical testing. Allele origin: unknown. Affected: yes. Study: The Canadian Open Genetics Repository (COGR). Not counted in ClinVar's aggregate classification.
Comment: The PKP1 p.G81E variant was not identified in the literature nor was it identified in ClinVar. The variant was identified in dbSNP (ID: rs769244881) and in control databases in 13 of 282392 chromosomes at a frequency of 0.00004604 (Genome Aggregation Database March 6, 2019, v2.1.1). The p.G81 residue is conserved in mammals and computational analyses (MUT Assesor, PolyPhen-2, SIFT, MutationTaster, Revel, FATHMM, MetaLR, DANN) provide inconsistent predictions regarding the impact to the protein; this information is not very predictive of pathogenicity. The variant occurs outside of the splicing consensus sequence and in silico or computational prediction software programs (Splice AI exome) do not predict a difference in splicing. In summary, based on the above information the clinical significance of this variant cannot be determined with certainty at this time. This variant is classified as a variant of uncertain significance.

NM_001005337.3(PKP1):c.242G>A (p.Gly81Glu)

Gene: PKP1 (plakophilin 1; plus strand). Cytogenetic location: 1q32.1.
Variant type: single nucleotide variant.
Coding change: c.242G>A on transcript NM_001005337.3 (MANE Select); coding-DNA position 242, G replaced by A.
Protein change: p.Gly81Glu; replaces glycine 81 with glutamic acid.
Molecular consequence: missense variant.
Genome position (GRCh38, 1-based): chr1:201,293,981, G>A. VCF-style: chr1-201293981-G-A. GRCh37 (hg19) VCF-style: chr1-201263109-G-A.
Other names: c.242G>A, p.Gly81Glu (NM_000299.4); c.242G>A (NM_001005337.2); short protein forms G81E.
Identifiers: ClinVar variation 1049143 (VCV001049143.2), dbSNP rs769244881, ClinGen allele CA1324016.